The following is an entry in ClinVar:

NM_001164508.2(NEB):c.7834G>A (p.Ala2612Thr)

Gene: NEB (nebulin; minus strand). Cytogenetic location: 2q23.3.
Variant type: single nucleotide variant.
Coding change: c.7834G>A on transcript NM_001164508.2 (MANE Select); coding-DNA position 7834, G replaced by A.
Protein change: p.Ala2612Thr; replaces alanine 2612 with threonine.
Molecular consequence: missense variant.
Genome position (GRCh38, 1-based): chr2:151,643,940, C>T on the plus strand (G>A on the coding strand, the complement: NEB is on the minus strand). VCF-style: chr2-151643940-C-T. GRCh37 (hg19) VCF-style: chr2-152500454-C-T.
Other names: c.7834G>A, p.Ala2612Thr (NM_001164507.2, NM_001271208.2, NM_004543.5); short protein forms A2612T.
Identifiers: ClinVar variation 1020347 (VCV001020347.6), dbSNP rs779023599, ClinGen allele CA1909748.
Genomic context (GRCh38, chr2:151,643,940, plus strand): 5'-TCCACTGGTGCAGGTAGTTCTTGTAGTCCACGTCGCTGACTAAGGTCTGGCACTTCTTGG[C>T]CAACACCACCCCCAGCATGTCCACTGGGCTGCTGAACTTGGTCTTCCACTTCTCAAAGTC-3'
Protein context (NP_001157980.2, residues 2602-2622): SPVDMLGVVL[Ala2612Thr]KKCQTLVSDV

ClinVar aggregate classification (germline): Uncertain significance. Review status: criteria provided, single submitter (1 of 4 stars). 2 submissions from 2 submitters: Uncertain significance (1). 1 of the submissions does not count toward it. Last evaluated 2022-07-05.

Conditions:
Nemaline myopathy 2 (NEM2). Also called: Nemaline myopathy 2, autosomal recessive. Identifiers: MedGen C1850569, MONDO:0009725, OMIM 256030.

Allele frequency attached by ClinVar (database versions not stated): gnomAD exomes below 0.00001 and 0.00001; gnomAD 0.00001; ExAC 0.00002; TOPMed 0.00002.
gnomAD v4.1: 8 of 1,613,796 alleles (0.0005%); highest among the groups gnomAD compares: South Asian, 0.0044%; no homozygotes.

Submissions (2):

Labcorp Genetics (formerly Invitae), Labcorp
Classification: Uncertain significance for Nemaline myopathy 2. Last evaluated: 2022-07-05. Review status: criteria provided, single submitter. Criteria: Invitae Variant Classification Sherloc (09022015). Collection method: clinical testing. Allele origin: germline.
Comment: This sequence change replaces alanine, which is neutral and non-polar, with threonine, which is neutral and polar, at codon 2612 of the NEB protein (p.Ala2612Thr). This variant is present in population databases (rs779023599, gnomAD 0.01%). This variant has not been reported in the literature in individuals affected with NEB-related conditions. ClinVar contains an entry for this variant (Variation ID: 1020347). Algorithms developed to predict the effect of missense changes on protein structure and function are either unavailable or do not agree on the potential impact of this missense change (SIFT: "Deleterious"; PolyPhen-2: "Not Available"; Align-GVGD: "Class C0"). In summary, the available evidence is currently insufficient to determine the role of this variant in disease. Therefore, it has been classified as a Variant of Uncertain Significance.

Natera, Inc.
Classification: Uncertain significance for Nemaline myopathy type 2. Last evaluated: 2021-03-10. Review status: no assertion criteria provided. Collection method: clinical testing. Allele origin: germline. Not counted in ClinVar's aggregate classification.